The following is an entry in ClinVar:

NM_000478.6(ALPL):c.124G>A (p.Glu42Lys)

Gene: ALPL (alkaline phosphatase, biomineralization associated; plus strand). Cytogenetic location: 1p36.12.
Variant type: single nucleotide variant.
Coding change: c.124G>A on transcript NM_000478.6 (MANE Select); coding-DNA position 124, G replaced by A.
Protein change: p.Glu42Lys; replaces glutamic acid 42 with lysine.
Molecular consequence: missense variant. On other transcripts: 5 prime UTR variant (1), nonsense (1).
Genome position (GRCh38, 1-based): chr1:21,560,688, G>A. VCF-style: chr1-21560688-G-A. GRCh37 (hg19) VCF-style: chr1-21887181-G-A.
Other names: c.-42G>A (NM_001127501.4); c.9G>A, p.Trp3Ter (NM_001177520.3); c.124G>A, p.Glu42Lys (NM_001369803.2, NM_001369804.2, NM_001369805.2); short protein forms E42K, W3*.
Identifiers: ClinVar variation 4060379 (VCV004060379.2).
Genomic context (GRCh38, chr1:21,560,688, plus strand): 5'-AAAGAGAAAGACCCCAAGTACTGGCGAGACCAAGCGCAAGAGACACTGAAATATGCCCTG[G>A]AGCTTCAGAAGCTCAACACCAACGTGGCTAAGAATGTCATCATGTTCCTGGGAGATGGTG-3'
Protein context (NP_000469.3, residues 32-52): QAQETLKYAL[Glu42Lys]LQKLNTNVAK

ClinVar aggregate classification (germline): Uncertain significance. Review status: criteria provided, single submitter (1 of 4 stars). 2 submissions from 2 submitters: Uncertain significance (1). 1 of the submissions does not count toward it. Last evaluated 2026-01-26.

Conditions:
Hypophosphatasia. Also called: Phosphoethanol-aminuria. Identifiers: Orphanet 436, MedGen C0020630, MeSH D007014, MONDO:0018570.

Submissions (2):

Labcorp Genetics (formerly Invitae), Labcorp
Classification: Uncertain significance. Last evaluated: 2026-01-26. Review status: criteria provided, single submitter. Criteria: Invitae Variant Classification Sherloc (09022015). Collection method: clinical testing. Allele origin: germline.
Comment: This sequence change replaces glutamic acid, which is acidic and polar, with lysine, which is basic and polar, at codon 42 of the ALPL protein (p.Glu42Lys). This variant is not present in population databases (gnomAD no frequency). This variant has not been reported in the literature in individuals affected with ALPL-related conditions. ClinVar contains an entry for this variant (Variation ID: 4060379). Invitae Evidence Modeling of protein sequence and biophysical properties (such as structural, functional, and spatial information, amino acid conservation, physicochemical variation, residue mobility, and thermodynamic stability) indicates that this missense variant is not expected to disrupt ALPL protein function with a negative predictive value of 95%. In summary, the available evidence is currently insufficient to determine the role of this variant in disease. Therefore, it has been classified as a Variant of Uncertain Significance.

Natera, Inc.
Classification: Uncertain significance for Hypophosphatasia. Last evaluated: 2025-01-04. Review status: no assertion criteria provided. Collection method: clinical testing. Allele origin: germline. Not counted in ClinVar's aggregate classification.